The following is an entry in ClinVar:

NM_002227.4(JAK1):c.1679A>G (p.Lys560Arg)

Gene: JAK1 (Janus kinase 1; minus strand). Cytogenetic location: 1p31.3.
Variant type: single nucleotide variant.
Coding change: c.1679A>G on transcript NM_002227.4 (MANE Select); coding-DNA position 1679, A replaced by G.
Protein change: p.Lys560Arg; replaces lysine 560 with arginine.
Molecular consequence: missense variant.
Genome position (GRCh38, 1-based): chr1:64,850,880, T>C on the plus strand (A>G on the coding strand, the complement: JAK1 is on the minus strand). VCF-style: chr1-64850880-T-C. GRCh37 (hg19) VCF-style: chr1-65316563-T-C.
Other names: c.1679A>G, p.Lys560Arg (NM_001320923.2, NM_001321852.2, NM_001321853.2 and 3 more transcripts); c.1676A>G, p.Lys559Arg (NM_001321857.2); short protein forms K559R, K560R.
Identifiers: ClinVar variation 4704930 (VCV004704930.1).

ClinVar aggregate classification (germline): Uncertain significance (1 of 4 stars; one submission).

gnomAD v4.1: 2 of 1,613,952 alleles (0.00012%); highest among the groups gnomAD compares: Non-Finnish European, 0.00017%; no homozygotes.

Submission:

Labcorp Genetics (formerly Invitae), Labcorp
Classification: Uncertain significance. Last evaluated: 2025-08-02. Review status: criteria provided, single submitter. Criteria: Invitae Variant Classification Sherloc (09022015). Collection method: clinical testing. Allele origin: germline.
Comment: This sequence change replaces lysine, which is basic and polar, with arginine, which is basic and polar, at codon 560 of the JAK1 protein (p.Lys560Arg). This variant is not present in population databases (gnomAD no frequency). This variant has not been reported in the literature in individuals affected with JAK1-related conditions. Invitae Evidence Modeling of protein sequence and biophysical properties (such as structural, functional, and spatial information, amino acid conservation, physicochemical variation, residue mobility, and thermodynamic stability) indicates that this missense variant is not expected to disrupt JAK1 protein function with a negative predictive value of 80%. In summary, the available evidence is currently insufficient to determine the role of this variant in disease. Therefore, it has been classified as a Variant of Uncertain Significance.